The following is an entry in ClinVar:

ClinVar aggregate classification (germline): Uncertain significance (1 of 4 stars; one submission).

Conditions:
Acyl-CoA oxidase deficiency. Also called: Peroxisomal acyl-CoA oxidase deficiency; STRAIGHT-CHAIN ACYL-CoA OXIDASE DEFICIENCY; Pseudoneonatal adrenoleukodystrophy. Identifiers: Orphanet 2971, MedGen C1849678, MONDO:0009919, OMIM 264470. Disease mechanism: loss of function.

Submission:

Labcorp Genetics (formerly Invitae), Labcorp
Classification: Uncertain significance for Acyl-CoA oxidase deficiency. Last evaluated: 2021-11-04. Review status: criteria provided, single submitter. Criteria: Invitae Variant Classification Sherloc (09022015). Collection method: clinical testing. Allele origin: germline.
Comment: In summary, the available evidence is currently insufficient to determine the role of this variant in disease. Therefore, it has been classified as a Variant of Uncertain Significance. This variant has not been reported in the literature in individuals affected with ACOX1-related conditions. Algorithms developed to predict the effect of missense changes on protein structure and function are either unavailable or do not agree on the potential impact of this missense change (SIFT: "Tolerated"; PolyPhen-2: "Probably Damaging"; Align-GVGD: "Class C0"). This sequence change replaces threonine, which is neutral and polar, with proline, which is neutral and non-polar, at codon 169 of the ACOX1 protein (p.Thr169Pro). This variant is not present in population databases (gnomAD no frequency).

NM_004035.7(ACOX1):c.505A>C (p.Thr169Pro)

Gene: ACOX1 (acyl-CoA oxidase 1; minus strand). Cytogenetic location: 17q25.1.
Variant type: single nucleotide variant.
Coding change: c.505A>C on transcript NM_004035.7 (MANE Select); coding-DNA position 505, A replaced by C.
Protein change: p.Thr169Pro; replaces threonine 169 with proline.
Molecular consequence: missense variant.
Genome position (GRCh38, 1-based): chr17:75,957,492, T>G on the plus strand (A>C on the coding strand, the complement: ACOX1 is on the minus strand). VCF-style: chr17-75957492-T-G. GRCh37 (hg19) VCF-style: chr17-73953573-T-G.
Other names: c.505A>C, p.Thr169Pro (NM_007292.6); c.391A>C, p.Thr131Pro (NM_001185039.2); short protein forms T169P, T131P.
Identifiers: ClinVar variation 1504305 (VCV001504305.6), dbSNP rs2144262728, ClinGen allele CA401068971.